The following is an entry in ClinVar:

ClinVar aggregate classification (germline): Uncertain significance. Review status: criteria provided, multiple submitters, no conflicts (2 of 4 stars). 2 submissions from 2 submitters: Uncertain significance (2). Last evaluated 2025-06-06.

Conditions:
Hereditary cancer-predisposing syndrome. Also called: Neoplastic Syndromes, Hereditary; Tumor predisposition; Hereditary Cancer Syndrome; Hereditary neoplastic syndrome. Identifiers: Orphanet 140162, MedGen C0027672, MeSH D009386, MONDO:0015356.
Gastrointestinal stromal tumor. Also called: Gastrointestinal stromal tumor, somatic; Gastrointestinal stroma tumor. Identifiers: Orphanet 44890, MedGen C0238198, MeSH D046152, MONDO:0011719, OMIM 606764, HP:0100723.

Submissions (2):

Ambry Genetics
Classification: Uncertain significance for Hereditary cancer-predisposing syndrome. Last evaluated: 2025-06-06. Review status: criteria provided, single submitter. Criteria: Ambry Variant Classification Scheme 2023. Collection method: clinical testing. Allele origin: germline.
Comment: The p.D419E variant (also known as c.1257C>G), located in coding exon 8 of the PDGFRA gene, results from a C to G substitution at nucleotide position 1257. The aspartic acid at codon 419 is replaced by glutamic acid, an amino acid with highly similar properties. This amino acid position is conserved. In addition, this alteration is predicted to be tolerated by in silico analysis. Based on the available evidence, the clinical significance of this variant remains unclear.

Labcorp Genetics (formerly Invitae), Labcorp
Classification: Uncertain significance for Gastrointestinal stromal tumor. Last evaluated: 2024-08-24. Review status: criteria provided, single submitter. Criteria: Invitae Variant Classification Sherloc (09022015). Collection method: clinical testing. Allele origin: germline.
Comment: This sequence change replaces aspartic acid, which is acidic and polar, with glutamic acid, which is acidic and polar, at codon 419 of the PDGFRA protein (p.Asp419Glu). This variant is not present in population databases (gnomAD no frequency). This variant has not been reported in the literature in individuals affected with PDGFRA-related conditions. An algorithm developed to predict the effect of missense changes on protein structure and function outputs the following: PolyPhen-2: "Benign". The glutamic acid amino acid residue is found in multiple mammalian species, which suggests that this missense change does not adversely affect protein function. In summary, the available evidence is currently insufficient to determine the role of this variant in disease. Therefore, it has been classified as a Variant of Uncertain Significance.

NM_006206.6(PDGFRA):c.1257C>G (p.Asp419Glu)

Gene: PDGFRA (platelet derived growth factor receptor alpha; plus strand). Cytogenetic location: 4q12.
Variant type: single nucleotide variant.
Coding change: c.1257C>G on transcript NM_006206.6 (MANE Select); coding-DNA position 1257, C replaced by G.
Protein change: p.Asp419Glu; replaces aspartic acid 419 with glutamic acid.
Molecular consequence: missense variant.
Genome position (GRCh38, 1-based): chr4:54,272,413, C>G. VCF-style: chr4-54272413-C-G. GRCh37 (hg19) VCF-style: chr4-55138580-C-G.
Other names: c.1257C>G, p.Asp419Glu (NM_001347827.2, NM_001347829.2); c.1332C>G, p.Asp444Glu (NM_001347828.2); c.1296C>G, p.Asp432Glu (NM_001347830.2); short protein forms D432E, D444E, D419E.
Identifiers: ClinVar variation 3663337 (VCV003663337.3).
Genomic context (GRCh38, chr4:54,272,413, plus strand): 5'-ACACGAGCTATTCCATTCTGACTTCTTTCTGCCTCTTGCAGTTCCTTCATCCATTCTGGA[C>G]TTGGTCGATGATCACCATGGCTCAACTGGGGGACAGACGGTGAGGTGCACAGCTGAAGGC-3'
Protein context (NP_006197.1, residues 409-429): LLTQVPSSIL[Asp419Glu]LVDDHHGSTG